The following is an entry in ClinVar:

ClinVar aggregate classification (germline): Benign. Review status: reviewed by expert panel (3 of 4 stars). 11 submissions from 11 submitters: Benign (1). 10 of the submissions do not count toward it. Last evaluated 2015-08-10.

Conditions:
Breast and/or ovarian cancer. Identifiers: MedGen CN221562.
Malignant tumor of breast. Also called: Cancer breast; Malignant breast neoplasm. Identifiers: MedGen C0006142, MONDO:0007254. Disease mechanism: loss of function.
Hereditary cancer-predisposing syndrome. Also called: Hereditary Cancer Syndrome; Hereditary neoplastic syndrome; Neoplastic Syndromes, Hereditary; Tumor predisposition. Identifiers: Orphanet 140162, MedGen C0027672, MeSH D009386, MONDO:0015356.
Breast-ovarian cancer, familial, susceptibility to, 1 (BROVCA1). Also called: BRCA1 Hereditary Breast and Ovarian Cancer; OVARIAN CANCER, SUSCEPTIBILITY TO. Identifiers: Orphanet 145, MedGen C2676676, MONDO:0011450, OMIM 604370. Disease mechanism: loss of function.
Hereditary breast ovarian cancer syndrome. Also called: BRCA1- and BRCA2-Associated Hereditary Breast and Ovarian Cancer; Hereditary breast and ovarian cancer syndrome; Hereditary breast and ovarian cancer syndrome (HBOC); Breast and ovarian cancer; Hereditary breast and/or ovarian cancer syndrome; Hereditary breast and ovarian cancer. Identifiers: Orphanet 145, MedGen C0677776, MeSH D061325, MONDO:0003582. Disease mechanism: loss of function.

Allele frequency attached by ClinVar (database versions not stated): gnomAD exomes 0.00001; TOPMed below 0.00001.
gnomAD v4.1: 13 of 1,613,254 alleles (0.00081%); highest among the groups gnomAD compares: Non-Finnish European, 0.0011%; no homozygotes.

Submissions (11):

Evidence-based Network for the Interpretation of Germline Mutant Alleles (ENIGMA)
Classification: Benign for Breast-ovarian cancer, familial 1. Last evaluated: 2015-08-10. Review status: reviewed by expert panel. Criteria: ENIGMA BRCA1/2 Classification Criteria (2015). Collection method: curation. Allele origin: germline.
Comment: IARC class based on posterior probability from multifactorial likelihood analysis, thresholds for class as per Plon et al. 2008 (PMID: 18951446). Class 1 based on posterior probability = 0.0000389

Labcorp Genetics (formerly Invitae), Labcorp
Classification: Benign for Hereditary breast ovarian cancer syndrome. Last evaluated: 2026-01-31. Review status: criteria provided, single submitter. Criteria: Invitae Variant Classification Sherloc (09022015). Collection method: clinical testing. Allele origin: germline. Not counted in ClinVar's aggregate classification.

All of Us Research Program, National Institutes of Health
Classification: Benign for Breast-ovarian cancer, familial, susceptibility to, 1. Last evaluated: 2023-11-30. Review status: criteria provided, single submitter. Criteria: ACMG Guidelines, 2015. Collection method: clinical testing. Allele origin: germline. Inheritance: Autosomal dominant inheritance. Observed: 1 variant allele, 1 heterozygote. Not counted in ClinVar's aggregate classification.
Comment: This study involves interpretation of variants in research participants for the purpose of population health screening. Participant phenotype was not available at the time of variant classification. Additional details can be found in publication PMID: 35346344, PMCID: PMC8962531

CHEO Genetics Diagnostic Laboratory, Children's Hospital of Eastern Ontario
Classification: Likely benign for Breast and/or ovarian cancer. Last evaluated: 2023-04-18. Review status: criteria provided, single submitter. Criteria: ACMG Guidelines, 2015. Collection method: clinical testing. Allele origin: germline. Not counted in ClinVar's aggregate classification.

GeneDx
Classification: Likely benign. Last evaluated: 2021-03-31. Review status: criteria provided, single submitter. Criteria: GeneDx Variant Classification Process June 2021. Collection method: clinical testing. Allele origin: germline. Affected: yes. Not counted in ClinVar's aggregate classification.
Comment: This variant is associated with the following publications: (PMID: 17924331, 21990134, 15235020, 22753008)

Quest Diagnostics Nichols Institute San Juan Capistrano
Classification: Benign. Last evaluated: 2018-04-07. Review status: criteria provided, single submitter. Criteria: Quest Diagnostics criteria. Collection method: clinical testing. Allele origin: germline. Not counted in ClinVar's aggregate classification.

Color Diagnostics, LLC DBA Color Health
Classification: Benign for Hereditary cancer-predisposing syndrome. Last evaluated: 2016-08-02. Review status: criteria provided, single submitter. Criteria: ACMG Guidelines, 2015. Collection method: clinical testing. Allele origin: germline. Not counted in ClinVar's aggregate classification.

Ambry Genetics
Classification: Benign for Hereditary cancer-predisposing syndrome. Last evaluated: 2014-11-18. Review status: criteria provided, single submitter. Criteria: Ambry Variant Classification Scheme 2023. Collection method: clinical testing. Allele origin: germline. Not counted in ClinVar's aggregate classification.

Sharing Clinical Reports Project (SCRP)
Classification: Benign for Breast-ovarian cancer, familial 1. Last evaluated: 2012-05-01. Review status: no assertion criteria provided. Collection method: clinical testing. Allele origin: germline. Not counted in ClinVar's aggregate classification.

Breast Cancer Information Core (BIC) (BRCA1)
Classification: Uncertain significance for Breast-ovarian cancer, familial 1. Last evaluated: 2002-05-29. Review status: no assertion criteria provided. Collection method: clinical testing. Allele origin: germline. Affected: yes. Observed: 4 variant alleles. Not counted in ClinVar's aggregate classification.

Department of Pathology and Laboratory Medicine, Sinai Health System
Classification: Benign for Malignant tumor of breast. Review status: no assertion criteria provided. Collection method: clinical testing. Allele origin: unknown. Affected: yes. Study: The Canadian Open Genetics Repository (COGR). Not counted in ClinVar's aggregate classification.
Comment: The BRCA1 p.Gln155Glu variant was identified in 1 of 121052 proband chromosomes (frequency: 0.00) from individuals or families with hereditary breast and ovarian cancer (Easton 2007). The variant was also identified in dbSNP (ID: rs#80357180) â€šÃ„ÃºWith other, untested alleleâ€šÃ„Ã¹, LOVD (3X as "Predicted neutral)", ClinVar database, the BIC database (3 X with unknown clinical importance), and UMD (3 X as an unknown variant). The variant was classified as a benign variant by the Sharing Clinical Reports Project (SCRP) (submitted within the ClinVar database and derived from Myriad reports). Multiple functional studies have classified the variant as benign (Abkevich 2004, Easton 2007, Lindor 2012, Millot 2012). In addition, the variant was identified with a co-occurring pathogenic BRCA1 variant (p.Arg1443X), increasing the likelihood that the p.Gln155Glu variant does not have clinical significance (Judkins 2005). The p.Gln155 residue is not conserved in mammals and the variant amino acid Glutamic Acid (Glu) is present in cows increasing the likelihood that this variant does not have clinical significance. Computational analyses (PolyPhen-2, SIFT, AlignGVGD, BLOSUM, MutationTaster) do not suggest a high likelihood of impact to the protein. In summary, based on the above information, this variant meets our laboratory's criteria to be classified as benign.

Literature cited by the submitters: PubMed 21990134 (cited by Evidence-based Network for the Interpretation of Germline Mutant Alleles (ENIGMA)).

NM_007294.4(BRCA1):c.463C>G (p.Gln155Glu)

Gene: BRCA1 (BRCA1 DNA repair associated; minus strand). Cytogenetic location: 17q21.31.
Variant type: single nucleotide variant.
Coding change: c.463C>G on transcript NM_007294.4 (MANE Select); coding-DNA position 463, C replaced by G.
Protein change: p.Gln155Glu; replaces glutamine 155 with glutamic acid.
Molecular consequence: missense variant. On other transcripts: non-coding transcript variant (1).
Genome position (GRCh38, 1-based): chr17:43,099,859, G>C on the plus strand (C>G on the coding strand, the complement: BRCA1 is on the minus strand). VCF-style: chr17-43099859-G-C. GRCh37 (hg19) VCF-style: chr17-41251876-G-C.
Other names: 582C>G; c.463C>G, p.Gln155Glu (NM_001408422.1, NM_001408423.1, NM_001408425.1 and 97 more transcripts); c.460C>G, p.Gln154Glu (NM_001408424.1, NM_001408431.1, NM_001408432.1 and 65 more transcripts); c.328C>G, p.Gln110Glu (NM_001408451.1); c.322C>G, p.Gln108Glu (NM_001408452.1, NM_001408453.1, NM_001408454.1 and 61 more transcripts); c.319C>G, p.Gln107Glu (NM_001408462.1, NM_001408463.1, NM_001408464.1 and 35 more transcripts); c.385C>G, p.Gln129Glu (NM_001408474.1, NM_001408476.1, NM_001407653.1 and 12 more transcripts); c.382C>G, p.Gln128Glu (NM_001408475.1, NM_001407659.1, NM_001407660.1 and 6 more transcripts); and 5 more; short protein forms Q155E, Q108E, Q107E, Q128E, Q27E, Q84E, Q85E, Q110E.
Identifiers: ClinVar variation 55247 (VCV000055247.25), dbSNP rs80357180, ClinGen allele CA002940.